The following is an entry in ClinVar:

ClinVar aggregate classification (germline): Pathogenic (1 of 4 stars; one submission).

Conditions:
Ehlers-Danlos syndrome, musculocontractural type (EDSMC). Also called: Adducted thumb, clubfoot, progressive joint and skin laxity syndrome; DUNDAR SYNDROME; ADDUCTED THUMB-CLUBFOOT SYNDROME; ARTHROGRYPOSIS, DISTAL, WITH PECULIAR FACIES AND HYDRONEPHROSIS. Identifiers: Orphanet 2953, MedGen C1866294, MONDO:0011142.

Submission:

Labcorp Genetics (formerly Invitae), Labcorp
Classification: Pathogenic for Ehlers-Danlos syndrome, musculocontractural type. Last evaluated: 2022-08-10. Review status: criteria provided, single submitter. Criteria: Invitae Variant Classification Sherloc (09022015). Collection method: clinical testing. Allele origin: germline.
Comment: For these reasons, this variant has been classified as Pathogenic. This variant disrupts a region of the CHST14 protein in which other variant(s) (p.Pro281Leu) have been determined to be pathogenic (MID: 20533528). This suggests that this is a clinically significant region of the protein, and that variants that disrupt it are likely to be disease-causing. ClinVar contains an entry for this variant (Variation ID: 575403). This variant has not been reported in the literature in individuals affected with CHST14-related conditions. This variant is not present in population databases (gnomAD no frequency). This sequence change creates a premature translational stop signal (p.Ser54Lysfs*92) in the CHST14 gene. While this is not anticipated to result in nonsense mediated decay, it is expected to disrupt the last 323 amino acid(s) of the CHST14 protein.

NM_130468.4(CHST14):c.160dup (p.Ser54fs)

Genes: CHST14 (carbohydrate sulfotransferase 14; plus strand), LOC130056851 (ATAC-STARR-seq lymphoblastoid silent region 6336; plus strand). Cytogenetic location: 15q15.1.
Variant type: Duplication.
Coding change: c.160dup on transcript NM_130468.4 (MANE Select); coding-DNA position 160, one base duplicated (A; older notation c.160dupA).
Protein change: p.Ser54fs; shifts the reading frame from serine 54.
Molecular consequence: frameshift variant.
Genome position (GRCh38, 1-based): chr15:40,471,373, A duplicated. VCF-style (leftmost placement, unchanged base first): chr15-40471372-C-CA. GRCh37 (hg19) VCF-style: chr15-40763571-C-CA.
Other names: c.160dupA (NM_130468.3); short protein forms S54fs.
Identifiers: ClinVar variation 575403 (VCV000575403.9), dbSNP rs1566969054, ClinGen allele CA891843976.
Genomic context (GRCh38, chr15:40,471,372, plus strand): 5'-GCTGGGTGGGCCGCCCCTGCTGCTGCCGTCCATGCTGATGTTTGCGGTGATCGTGGCCTC[C>CA]AGCGGGCTGCTGCTCATGATCGAGCGGGGCATCCTGGCCGAGATGAAGCCCCTGCCCCTG-3'